The following is an entry in ClinVar:

ClinVar aggregate classification (germline): Likely benign. Review status: criteria provided, multiple submitters, no conflicts (2 of 4 stars). 3 submissions from 3 submitters: Likely benign (3). Last evaluated 2025-10-21.

Conditions:
KLHL7-related disorder. Also called: KLHL7-related disorders; KLHL7-related condition.

Allele frequency attached by ClinVar (database versions not stated): TOPMed 0.00037; gnomAD exomes 0.00001 and 0.00002; ExAC 0.00002; gnomAD 0.00013 and 0.00014; 1000 Genomes Project 0.00020; 1000 Genomes Project 30x 0.00031.
gnomAD v4.1: 60 of 1,613,446 alleles (0.0037%); highest among the groups gnomAD compares: Admixed American, 0.055%; 1 homozygote.

Submissions (3):

Labcorp Genetics (formerly Invitae), Labcorp
Classification: Likely benign. Last evaluated: 2025-10-21. Review status: criteria provided, single submitter. Criteria: Invitae Variant Classification Sherloc (09022015). Collection method: clinical testing. Allele origin: germline.

PreventionGenetics, part of Exact Sciences
Classification: Likely benign for KLHL7-related condition. Last evaluated: 2025-09-30. Review status: criteria provided, single submitter. Criteria: ACMG Guidelines, 2015. Collection method: clinical testing. Allele origin: germline.
Comment: This variant is classified as likely benign based on ACMG/AMP sequence variant interpretation guidelines (Richards et al. 2015 PMID: 25741868, with internal and published modifications).

Blueprint Genetics
Classification: Likely benign. Last evaluated: 2024-02-26. Review status: criteria provided, single submitter. Criteria: ACMG Guidelines, 2015. Collection method: clinical testing. Allele origin: germline.

NM_001031710.3(KLHL7):c.936+9T>A

Gene: KLHL7 (kelch like family member 7; plus strand). Cytogenetic location: 7p15.3.
Variant type: single nucleotide variant.
Coding change: c.936+9T>A on transcript NM_001031710.3 (MANE Select); 9 bases into the intron after coding-DNA position 936, T replaced by A.
Molecular consequence: intron variant.
Genome position (GRCh38, 1-based): chr7:23,152,218, T>A. VCF-style: chr7-23152218-T-A. GRCh37 (hg19) VCF-style: chr7-23191837-T-A.
Other names: c.792+9T>A (NM_018846.5).
Identifiers: ClinVar variation 731601 (VCV000731601.14), dbSNP rs201497466, ClinGen allele CA4186506.